The following is an entry in ClinVar:

NM_012301.4(MAGI2):c.1225+448C>A

Gene: MAGI2 (membrane associated guanylate kinase, WW and PDZ domain containing 2; minus strand). Cytogenetic location: 7q21.11.
Variant type: single nucleotide variant.
Coding change: c.1225+448C>A on transcript NM_012301.4 (MANE Select); 448 bases into the intron after coding-DNA position 1225, C replaced by A.
Molecular consequence: intron variant.
Genome position (GRCh38, 1-based): chr7:78,345,474, G>T on the plus strand (C>A on the coding strand, the complement: MAGI2 is on the minus strand). VCF-style: chr7-78345474-G-T. GRCh37 (hg19) VCF-style: chr7-77974791-G-T.
Other names: c.1225+448C>A (NM_001301128.2).
Identifiers: ClinVar variation 1695192 (VCV001695192.31), dbSNP rs142538175, ClinGen allele CA161229090.

ClinVar aggregate classification (germline): Benign (1 of 4 stars; one submission).

Allele frequency attached by ClinVar (database versions not stated): 1000 Genomes Project 30x 0.00515; 1000 Genomes Project 0.00639; gnomAD exomes 0.00710.
gnomAD v4.1: 1,106 of 156,704 alleles (0.71%); highest among the groups gnomAD compares: Non-Finnish European, 1.1%; 7 homozygotes.

Submission:

CeGaT Center for Human Genetics Tuebingen
Classification: Benign. Last evaluated: 2023-01-01. Review status: criteria provided, single submitter. Criteria: CeGaT Center For Human Genetics Tuebingen Variant Classification Criteria Version 2. Collection method: clinical testing. Allele origin: germline. Affected: yes. Observed: 2 variant alleles.
Comment: MAGI2: BS1, BS2